The following is an entry in ClinVar:

NM_001164508.2(NEB):c.8306G>T (p.Gly2769Val)

Gene: NEB (nebulin; minus strand). Cytogenetic location: 2q23.3.
Variant type: single nucleotide variant.
Coding change: c.8306G>T on transcript NM_001164508.2 (MANE Select); coding-DNA position 8306, G replaced by T.
Protein change: p.Gly2769Val; replaces glycine 2769 with valine.
Molecular consequence: missense variant.
Genome position (GRCh38, 1-based): chr2:151,642,641, C>A on the plus strand (G>T on the coding strand, the complement: NEB is on the minus strand). VCF-style: chr2-151642641-C-A. GRCh37 (hg19) VCF-style: chr2-152499155-C-A.
Other names: c.8306G>T, p.Gly2769Val (NM_001164507.2, NM_001271208.2, NM_004543.5); short protein forms G2769V.
Identifiers: ClinVar variation 1421537 (VCV001421537.8), dbSNP rs762272453, ClinGen allele CA348812628.

ClinVar aggregate classification (germline): Uncertain significance (1 of 4 stars; one submission).

Conditions:
Nemaline myopathy 2 (NEM2). Also called: Nemaline myopathy 2, autosomal recessive. Identifiers: MedGen C1850569, MONDO:0009725, OMIM 256030.

gnomAD v4.1: 11 of 1,613,932 alleles (0.00068%); highest among the groups gnomAD compares: Non-Finnish European, 0.00076%; no homozygotes.

Submission:

Labcorp Genetics (formerly Invitae), Labcorp
Classification: Uncertain significance for Nemaline myopathy 2. Last evaluated: 2022-06-27. Review status: criteria provided, single submitter. Criteria: Invitae Variant Classification Sherloc (09022015). Collection method: clinical testing. Allele origin: germline.
Comment: In summary, the available evidence is currently insufficient to determine the role of this variant in disease. Therefore, it has been classified as a Variant of Uncertain Significance. Algorithms developed to predict the effect of missense changes on protein structure and function are either unavailable or do not agree on the potential impact of this missense change (SIFT: "Deleterious"; PolyPhen-2: "Not Available"; Align-GVGD: "Class C0"). This variant has not been reported in the literature in individuals affected with NEB-related conditions. This variant is not present in population databases (gnomAD no frequency). This sequence change replaces glycine, which is neutral and non-polar, with valine, which is neutral and non-polar, at codon 2769 of the NEB protein (p.Gly2769Val).